The following is an entry in ClinVar:

ClinVar aggregate classification (germline): Uncertain significance (1 of 4 stars; one submission).

Conditions:
Inborn genetic diseases. Identifiers: MedGen C0950123, MeSH D030342.

Allele frequency attached by ClinVar (database versions not stated): TOPMed below 0.00001; gnomAD 0.00001.
gnomAD v4.1: 12 of 1,614,008 alleles (0.00074%); highest among the groups gnomAD compares: Non-Finnish European, 0.00093%; no homozygotes.

Submission:

Ambry Genetics
Classification: Uncertain significance for Inborn genetic diseases. Last evaluated: 2022-08-09. Review status: criteria provided, single submitter. Criteria: Ambry Variant Classification Scheme 2023. Collection method: clinical testing. Allele origin: germline.
Comment: The p.R748K variant (also known as c.2243G>A), located in coding exon 17 of the BUB1B gene, results from a G to A substitution at nucleotide position 2243. The arginine at codon 748 is replaced by lysine, an amino acid with highly similar properties. This amino acid position is conserved. In addition, this alteration is predicted to be tolerated by in silico analysis. Since supporting evidence is limited at this time, the clinical significance of this alteration remains unclear.

NM_001211.6(BUB1B):c.2243G>A (p.Arg748Lys)

Gene: BUB1B (BUB1 mitotic checkpoint serine/threonine kinase B; plus strand). Cytogenetic location: 15q15.1.
Variant type: single nucleotide variant.
Coding change: c.2243G>A on transcript NM_001211.6 (MANE Select); coding-DNA position 2243, G replaced by A.
Protein change: p.Arg748Lys; replaces arginine 748 with lysine.
Molecular consequence: missense variant.
Genome position (GRCh38, 1-based): chr15:40,209,734, G>A. VCF-style: chr15-40209734-G-A. GRCh37 (hg19) VCF-style: chr15-40501935-G-A.
Other names: short protein forms R748K.
Identifiers: ClinVar variation 1788309 (VCV001788309.2), dbSNP rs2037686156, ClinGen allele CA391694495.
Genomic context (GRCh38, chr15:40,209,734, plus strand): 5'-GACAGCTACTGAAGTCCCTACCAGAGTTAAGTGCCTCTGCAGAGTTGTGTATAGAAGACA[G>A]ACCAATGCCTAAGTTGGAAATTGAGAAGGAAATTGAATTAGGTAAGTACCATTGAACTCA-3'
Protein context (NP_001202.5, residues 738-758): SASAELCIED[Arg748Lys]PMPKLEIEKE